The following is an entry in ClinVar:

ClinVar aggregate classification (germline): Uncertain significance. Review status: criteria provided, multiple submitters, no conflicts (2 of 4 stars). 4 submissions from 4 submitters: Uncertain significance (4). Last evaluated 2025-05-01.

Conditions:
Intestinal hypomagnesemia 1. Also called: HYPOMAGNESEMIA, INTESTINAL, WITH SECONDARY HYPOCALCEMIA; HYPOMAGNESEMIC TETANY. Identifiers: Orphanet 30924, MedGen C1865974, MONDO:0011176, OMIM 602014.
Inborn genetic diseases. Identifiers: MedGen C0950123, MeSH D030342.

Allele frequency attached by ClinVar (database versions not stated): gnomAD 0.00002; gnomAD exomes 0.00002; TOPMed 0.00004; ExAC 0.00005.
gnomAD v4.1: 37 of 1,613,958 alleles (0.0023%); highest among the groups gnomAD compares: African/African-American, 0.0027%; no homozygotes.

Submissions (4):

CeGaT Center for Human Genetics Tuebingen
Classification: Uncertain significance. Last evaluated: 2025-05-01. Review status: criteria provided, single submitter. Criteria: CeGaT Center For Human Genetics Tuebingen Variant Classification Criteria Version 2. Collection method: clinical testing. Allele origin: germline. Affected: yes. Observed: 1 variant allele.
Comment: TRPM6: PM2

Ambry Genetics
Classification: Uncertain significance for Inborn genetic diseases. Last evaluated: 2024-01-31. Review status: criteria provided, single submitter. Criteria: Ambry Variant Classification Scheme 2023. Collection method: clinical testing. Allele origin: germline.

Fulgent Genetics
Classification: Uncertain significance for Intestinal hypomagnesemia 1. Last evaluated: 2024-01-14. Review status: criteria provided, single submitter. Criteria: ACMG Guidelines, 2015. Collection method: clinical testing. Allele origin: germline.

Labcorp Genetics (formerly Invitae), Labcorp
Classification: Uncertain significance. Last evaluated: 2022-01-27. Review status: criteria provided, single submitter. Criteria: Invitae Variant Classification Sherloc (09022015). Collection method: clinical testing. Allele origin: germline.
Comment: This sequence change replaces valine, which is neutral and non-polar, with methionine, which is neutral and non-polar, at codon 712 of the TRPM6 protein (p.Val712Met). This variant is present in population databases (rs776762572, gnomAD 0.02%). This variant has not been reported in the literature in individuals affected with TRPM6-related conditions. Algorithms developed to predict the effect of missense changes on protein structure and function are either unavailable or do not agree on the potential impact of this missense change (SIFT: "Deleterious"; PolyPhen-2: "Probably Damaging"; Align-GVGD: "Class C0"). In summary, the available evidence is currently insufficient to determine the role of this variant in disease. Therefore, it has been classified as a Variant of Uncertain Significance.

NM_017662.5(TRPM6):c.2134G>A (p.Val712Met)

Gene: TRPM6 (transient receptor potential cation channel subfamily M member 6; minus strand). Cytogenetic location: 9q21.13.
Variant type: single nucleotide variant.
Coding change: c.2134G>A on transcript NM_017662.5 (MANE Select); coding-DNA position 2134, G replaced by A.
Protein change: p.Val712Met; replaces valine 712 with methionine.
Molecular consequence: missense variant.
Genome position (GRCh38, 1-based): chr9:74,800,358, C>T on the plus strand (G>A on the coding strand, the complement: TRPM6 is on the minus strand). VCF-style: chr9-74800358-C-T. GRCh37 (hg19) VCF-style: chr9-77415274-C-T.
Other names: c.2119G>A, p.Val707Met (NM_001177310.2, NM_001177311.2); c.2134G>A (NM_017662.4); short protein forms V707M, V712M.
Identifiers: ClinVar variation 2173828 (VCV002173828.13), dbSNP rs776762572, ClinGen allele CA5084638.